The following is an entry in ClinVar:

ClinVar aggregate classification (germline): Uncertain significance (1 of 4 stars; one submission).

Conditions:
Niemann-Pick disease, type A. Also called: Infantile Neurovisceral ASMD (Niemann-Pick Disease Type A; NPD-A); SPHINGOMYELIN LIPIDOSIS; SPHINGOMYELINASE DEFICIENCY. Identifiers: Orphanet 77292, MedGen C0268242, MONDO:0009756, OMIM 257200. Disease mechanism: loss of function.
Niemann-Pick disease, type B. Also called: Chronic Visceral ASMD (Niemann-Pick Disease Type B; NPD-B). Identifiers: Orphanet 77293, MedGen C0268243, MONDO:0011871, OMIM 607616. Disease mechanism: loss of function.

Allele frequency attached by ClinVar (database versions not stated): ExAC 0.00001; gnomAD 0.00001; gnomAD exomes 0.00001; TOPMed 0.00001.

Submission:

Labcorp Genetics (formerly Invitae), Labcorp
Classification: Uncertain significance for Niemann-Pick disease, type B; Niemann-Pick disease, type A. Last evaluated: 2025-01-20. Review status: criteria provided, single submitter. Criteria: Invitae Variant Classification Sherloc (09022015). Collection method: clinical testing. Allele origin: germline.
Comment: This sequence change replaces serine, which is neutral and polar, with alanine, which is neutral and non-polar, at codon 583 of the SMPD1 protein (p.Ser583Ala). This variant is present in population databases (rs748635475, gnomAD 0.0009%). This variant has not been reported in the literature in individuals affected with SMPD1-related conditions. ClinVar contains an entry for this variant (Variation ID: 1480186). Invitae Evidence Modeling of protein sequence and biophysical properties (such as structural, functional, and spatial information, amino acid conservation, physicochemical variation, residue mobility, and thermodynamic stability) indicates that this missense variant is not expected to disrupt SMPD1 protein function with a negative predictive value of 80%. In summary, the available evidence is currently insufficient to determine the role of this variant in disease. Therefore, it has been classified as a Variant of Uncertain Significance.

NM_000543.5(SMPD1):c.1747T>G (p.Ser583Ala)

Gene: SMPD1 (sphingomyelin phosphodiesterase 1; plus strand). Cytogenetic location: 11p15.4.
Variant type: single nucleotide variant.
Coding change: c.1747T>G on transcript NM_000543.5 (MANE Select); coding-DNA position 1747, T replaced by G.
Protein change: p.Ser583Ala; replaces serine 583 with alanine.
Molecular consequence: missense variant. On other transcripts: 3 prime UTR variant (1), non-coding transcript variant (2).
Genome position (GRCh38, 1-based): chr11:6,394,458, T>G. VCF-style: chr11-6394458-T-G. GRCh37 (hg19) VCF-style: chr11-6415688-T-G.
Other names: c.1744T>G, p.Ser582Ala (NM_001007593.3); c.*240T>G (NM_001318087.2); c.826T>G, p.Ser276Ala (NM_001318088.2); c.1615T>G, p.Ser539Ala (NM_001365135.2); short protein forms S276A, S539A, S583A, S582A.
Identifiers: ClinVar variation 1480186 (VCV001480186.7), dbSNP rs748635475, ClinGen allele CA5852980.